The following is an entry in ClinVar:

ClinVar aggregate classification (germline): Uncertain significance (1 of 4 stars; one submission).

Submission:

Labcorp Genetics (formerly Invitae), Labcorp
Classification: Uncertain significance. Last evaluated: 2022-10-22. Review status: criteria provided, single submitter. Criteria: Invitae Variant Classification Sherloc (09022015). Collection method: clinical testing. Allele origin: germline.
Comment: In summary, the available evidence is currently insufficient to determine the role of this variant in disease. Therefore, it has been classified as a Variant of Uncertain Significance. Algorithms developed to predict the effect of missense changes on protein structure and function are either unavailable or do not agree on the potential impact of this missense change (SIFT: "Tolerated"; PolyPhen-2: "Not Available"; Align-GVGD: "Class C0"). This sequence change replaces glycine, which is neutral and non-polar, with arginine, which is basic and polar, at codon 1724 of the KAT6A protein (p.Gly1724Arg). This variant is not present in population databases (gnomAD no frequency). This variant has not been reported in the literature in individuals affected with KAT6A-related conditions.

NM_006766.5(KAT6A):c.5170G>A (p.Gly1724Arg)

Gene: KAT6A (lysine acetyltransferase 6A; minus strand). Cytogenetic location: 8p11.21.
Variant type: single nucleotide variant.
Coding change: c.5170G>A on transcript NM_006766.5 (MANE Select); coding-DNA position 5170, G replaced by A.
Protein change: p.Gly1724Arg; replaces glycine 1724 with arginine.
Molecular consequence: missense variant.
Genome position (GRCh38, 1-based): chr8:41,933,050, C>T on the plus strand (G>A on the coding strand, the complement: KAT6A is on the minus strand). VCF-style: chr8-41933050-C-T. GRCh37 (hg19) VCF-style: chr8-41790568-C-T.
Other names: short protein forms G1724R.
Identifiers: ClinVar variation 2809373 (VCV002809373.3), dbSNP rs2486752372, ClinGen allele CA371063494.
Genomic context (GRCh38, chr8:41,933,050, plus strand): 5'-AGCTGCCGGCACCAAAATCCCCTGGAATCCTCTCATAGATACTTATGTTCCCAGTGCTTC[C>T]AGATTCTGGTATCTCCATGATCATAGGAGCTGGGGTGAAACTGTTATTCATACTACACTG-3'
Protein context (NP_006757.2, residues 1714-1734): APMIMEIPES[Gly1724Arg]STGNISIYER